The following is an entry in ClinVar:

ClinVar aggregate classification (germline): Uncertain significance (1 of 4 stars; one submission).

Conditions:
Autosomal dominant nonsyndromic hearing loss 1. Also called: DEAFNESS, AUTOSOMAL DOMINANT 1, WITH OR WITHOUT THROMBOCYTOPENIA; KONIGSMARK SYNDROME. Identifiers: Orphanet 90635, MedGen C1852282, MONDO:0007424, OMIM 124900.
Progressive microcephaly-seizures-cortical blindness-developmental delay syndrome. Also called: Seizures, cortical blindness, and microcephaly syndrome. Identifiers: Orphanet 477814, MedGen C5567650, MONDO:0014714, OMIM 616632.

Submission:

Labcorp Genetics (formerly Invitae), Labcorp
Classification: Uncertain significance for Progressive microcephaly-seizures-cortical blindness-developmental delay syndrome; Autosomal dominant nonsyndromic hearing loss 1. Last evaluated: 2022-05-16. Review status: criteria provided, single submitter. Criteria: Invitae Variant Classification Sherloc (09022015). Collection method: clinical testing. Allele origin: germline.
Comment: This sequence change replaces leucine, which is neutral and non-polar, with isoleucine, which is neutral and non-polar, at codon 792 of the DIAPH1 protein (p.Leu792Ile). This variant is not present in population databases (gnomAD no frequency). This variant has not been reported in the literature in individuals affected with DIAPH1-related conditions. Algorithms developed to predict the effect of missense changes on protein structure and function are either unavailable or do not agree on the potential impact of this missense change (SIFT: "Tolerated"; PolyPhen-2: "Possibly Damaging"; Align-GVGD: "Class C0"). In summary, the available evidence is currently insufficient to determine the role of this variant in disease. Therefore, it has been classified as a Variant of Uncertain Significance.

NM_005219.5(DIAPH1):c.2374C>A (p.Leu792Ile)

Gene: DIAPH1 (diaphanous related formin 1; minus strand). Cytogenetic location: 5q31.3.
Variant type: single nucleotide variant.
Coding change: c.2374C>A on transcript NM_005219.5 (MANE Select); coding-DNA position 2374, C replaced by A.
Protein change: p.Leu792Ile; replaces leucine 792 with isoleucine.
Molecular consequence: missense variant.
Genome position (GRCh38, 1-based): chr5:141,572,025, G>T on the plus strand (C>A on the coding strand, the complement: DIAPH1 is on the minus strand). VCF-style: chr5-141572025-G-T. GRCh37 (hg19) VCF-style: chr5-140951592-G-T.
Other names: c.2347C>A, p.Leu783Ile (NM_001079812.3); c.2374C>A, p.Leu792Ile (NM_001314007.2); short protein forms L783I, L792I.
Identifiers: ClinVar variation 1995292 (VCV001995292.4), dbSNP rs2513734191, ClinGen allele CA361513722.